The following is an entry in ClinVar:

NM_004260.4(RECQL4):c.3443C>A (p.Ser1148Tyr)

Gene: RECQL4 (RecQ like helicase 4; minus strand). Cytogenetic location: 8q24.3.
Variant type: single nucleotide variant.
Coding change: c.3443C>A on transcript NM_004260.4 (MANE Select); coding-DNA position 3443, C replaced by A.
Protein change: p.Ser1148Tyr; replaces serine 1148 with tyrosine.
Molecular consequence: missense variant.
Genome position (GRCh38, 1-based): chr8:144,511,740, G>T on the plus strand (C>A on the coding strand, the complement: RECQL4 is on the minus strand). VCF-style: chr8-144511740-G-T. GRCh37 (hg19) VCF-style: chr8-145737123-G-T.
Other names: short protein forms S1148Y.
Identifiers: ClinVar variation 1692767 (VCV001692767.1), dbSNP rs35346077, ClinGen allele CA372667154.

ClinVar aggregate classification (germline): Uncertain significance (1 of 4 stars; one submission).

Conditions:
Hereditary cancer-predisposing syndrome. Also called: Hereditary neoplastic syndrome; Tumor predisposition; Neoplastic Syndromes, Hereditary; Hereditary Cancer Syndrome. Identifiers: Orphanet 140162, MedGen C0027672, MeSH D009386, MONDO:0015356.

Submission:

Sema4
Classification: Uncertain significance for Hereditary cancer-predisposing syndrome. Last evaluated: 2021-10-25. Review status: criteria provided, single submitter. Criteria: Sema4 Curation Guidelines. Collection method: curation. Allele origin: germline.
Comment: The RECQL4 c.3443C>A (p.S1148Y) variant has not been reported in the literature to our knowledge. It was not observed in the large and broad cohorts of the Genome Aggregation Database (PMID: 32461654), nor in ClinVar. Functional studies have not been performed, and in silico predictions of the variant's effect on protein function are inconclusive. The evidence is insufficient to meet ACMG/AMP criteria for classifying the variant as benign or pathogenic. Thus, the clinical significance of this variant is currently uncertain.